The following is an entry in ClinVar:

ClinVar aggregate classification (germline): Uncertain significance (1 of 4 stars; one submission).

Conditions:
Wilms tumor 1 (WT1). Also called: Wilms tumor, somatic. Identifiers: Orphanet 654, MedGen CN033288, MONDO:0008679, OMIM 194070.

Allele frequency attached by ClinVar (database versions not stated): ExAC 0.00003; gnomAD 0.00003; TOPMed 0.00003.
gnomAD v4.1: 3 of 1,209,791 alleles (0.00025%); highest among the groups gnomAD compares: African/African-American, 0.0052%; no homozygotes.

Submission:

Labcorp Genetics (formerly Invitae), Labcorp
Classification: Uncertain significance for Wilms tumor 1. Last evaluated: 2022-12-01. Review status: criteria provided, single submitter. Criteria: Invitae Variant Classification Sherloc (09022015). Collection method: clinical testing. Allele origin: germline.
Comment: In summary, the available evidence is currently insufficient to determine the role of this variant in disease. Therefore, it has been classified as a Variant of Uncertain Significance. Advanced modeling of protein sequence and biophysical properties (such as structural, functional, and spatial information, amino acid conservation, physicochemical variation, residue mobility, and thermodynamic stability) performed at Invitae indicates that this missense variant is not expected to disrupt GPC3 protein function. This variant has not been reported in the literature in individuals affected with GPC3-related conditions. This variant is not present in population databases (gnomAD no frequency). This sequence change replaces proline, which is neutral and non-polar, with leucine, which is neutral and non-polar, at codon 53 of the GPC3 protein (p.Pro53Leu).

NM_004484.4(GPC3):c.158C>T (p.Pro53Leu)

Gene: GPC3 (glypican 3; minus strand). Cytogenetic location: Xq26.2.
Variant type: single nucleotide variant.
Coding change: c.158C>T on transcript NM_004484.4 (MANE Select); coding-DNA position 158, C replaced by T.
Protein change: p.Pro53Leu; replaces proline 53 with leucine.
Molecular consequence: missense variant.
Genome position (GRCh38, 1-based): chrX:133,985,292, G>A on the plus strand (C>T on the coding strand, the complement: GPC3 is on the minus strand). VCF-style: chrX-133985292-G-A. GRCh37 (hg19) VCF-style: chrX-133119319-G-A.
Other names: c.158C>T, p.Pro53Leu (NM_001164617.2, NM_001164618.2, NM_001164619.2); short protein forms P53L.
Identifiers: ClinVar variation 2817783 (VCV002817783.3), dbSNP rs751866792, ClinGen allele CA10520886.